The following is an entry in ClinVar:

ClinVar aggregate classification (germline): Uncertain significance. Review status: reviewed by expert panel (3 of 4 stars). 11 submissions from 11 submitters: Uncertain significance (1). 10 of the submissions do not count toward it. Last evaluated 2024-11-18.

Conditions:
Nemaline myopathy. Also called: Myopathies, Nemaline. Identifiers: Orphanet 607, MedGen C0206157, MONDO:0018958.
Nemaline myopathy 2 (NEM2). Also called: Nemaline myopathy 2, autosomal recessive. Identifiers: MedGen C1850569, MONDO:0009725, OMIM 256030.

Allele frequency attached by ClinVar (database versions not stated): gnomAD 0.00007 and 0.00009; ESP Exome Variant Server 0.00008; gnomAD exomes 0.00008 and 0.00009; TOPMed 0.00008; ExAC 0.00009.
gnomAD v4.1: 140 of 1,613,764 alleles (0.0087%); highest among the groups gnomAD compares: Admixed American, 0.012%; 1 homozygote.

Submissions (11):

ClinGen Congenital Myopathies Variant Curation Expert Panel, ClinGen
Classification: Uncertain significance for Nemaline myopathy. Last evaluated: 2024-11-18. Review status: reviewed by expert panel. Criteria: ClinGen CongenMyopathy ACMG Specifications NEB V1.0.0. Collection method: curation. Allele origin: germline. Inheritance: Autosomal recessive inheritance.
Comment: The NM_001154508.2(NEB):c.11333T>C(p.Ile3778Thr) variant in NEB is a missense variant predicted to cause a substitution of isoleucine by threonine at amino acid 3778 (p.Ile3778Thr). The total Grpmax filtering allele frequency in gnomAD v4.1.1 is 0.00009193 (127/1179838 alleles, 1 homozygous observation) in the European (non-Finnish) population (PM2_Supporting, BS1, and BA1 are not met). The REVEL computational prediction analysis tool produced a score of 0.468, which is neither above nor below the thresholds predicting a damaging or benign impact on NEB function. This variant has been reported in three probands with phenotypes consistent with NEB-related myopathy. One proband was homozygous for the variant and the other two were compound heterozygous with phase confirmed with two different variants of uncertain significance (p.G3289D; p.A368V) (PMID: 33726816, 27168972, 33742171) (PM3_Supporting). Additionally, this variant segregated with disease in two individuals from two families (PMID: 33726816, 27168972; PP1_Moderate). In summary, this variant meets the criteria to be classified as uncertain significance for autosomal recessive nemaline myopathy based on the ACMG/AMP criteria applied, as specified by the ClinGen Congenital Myopathies VCEP: PM3_Supporting, PP1_Moderate (ClinGen Congenital Myopathies VCEP specifications version 1.0).

Women's Health and Genetics/Laboratory Corporation of America, LabCorp
Classification: Uncertain significance. Last evaluated: 2026-06-17. Review status: criteria provided, single submitter. Criteria: LabCorp Variant Classification Summary - May 2015. Collection method: clinical testing. Allele origin: germline. Not counted in ClinVar's aggregate classification.
Comment: Variant summary: NEB c.11333T>C (p.Ile3778Thr) results in a non-conservative amino acid change in the encoded protein sequence. Algorithms developed to predict the effect of missense changes on protein structure and function are either unavailable or do not agree on the potential impact of this missense change. The variant allele was found at a frequency of 8.4e-05 in 249004 control chromosomes (gnomAD). This frequency is not significantly higher than estimated for disease-causing variants in NEB, allowing no conclusion about variant significance. c.11333T>C has been observed in individuals affected with NEB-related conditions, including two affected fetal compound heterozygotes diagnosed as Nemaline myopathy (example, Pangalos_2016) and 2 homozygotes who had a co-existing genetic diagnosis of combined oxidative phosphorylation deficiency 11 (homozygosity for a variant in a different gene, RMND1) and Nemaline myopathy 2 (example, Sallevelt_2021). These data indicate that the variant may be associated with disease. To our knowledge, no experimental evidence demonstrating an impact on protein function has been reported. The following publications have been ascertained in the context of this evaluation (PMID: 33742171, 27168972). ClinVar contains an entry for this variant (Variation ID: 435964). Based on the evidence outlined above, the variant was classified as VUS-possibly pathogenic.

Broad Center for Mendelian Genomics, Broad Institute of MIT and Harvard
Classification: Uncertain significance for Nemaline myopathy. Last evaluated: 2025-03-17. Review status: criteria provided, single submitter. Criteria: ACMG Guidelines, 2015. Collection method: curation. Allele origin: germline. Inheritance: Autosomal recessive inheritance. Not counted in ClinVar's aggregate classification.
Comment: The p.Ile3778Thr variant in NEB has been reported in five individuals with nemaline myopathy (PMID: 27168972, 3374217, 33726816:), segregated with disease in four affected relatives from two families (PMID: 27168972, 3374217), and has been identified in 0.01% (7/59976) of Latino/Admixed American chromosomes by the Genome Aggregation Database (gnomAD; dbSNP ID: rs200270156). Although this variant has been seen in the general population in a heterozygous state, its frequency is low enough to be consistent with a recessive carrier frequency. This variant has also been reported in ClinVar (Variation ID: 435964) and has been interpreted as likely pathogenic by Women's Health and Genetics/Laboratory Corporation of America (LabCorp) and as a variant of uncertain significance by multiple submitters. Of the five affected individuals, one of those was a homozygote, which increases the likelihood that the p.Ile3778Thr variant is pathogenic (PMID: 3374217). Computational prediction tools and conservation analyses do not provide strong support for or against an impact to the protein. In summary, the clinical significance of the p.Ile3778Thr variant is uncertain. ACMG/AMP Criteria applied: PM3, PP1, PM2_supporting (Richards 2015).

Labcorp Genetics (formerly Invitae), Labcorp
Classification: Uncertain significance for Nemaline myopathy 2. Last evaluated: 2024-12-31. Review status: criteria provided, single submitter. Criteria: Invitae Variant Classification Sherloc (09022015). Collection method: clinical testing. Allele origin: germline. Not counted in ClinVar's aggregate classification.
Comment: This sequence change replaces isoleucine, which is neutral and non-polar, with threonine, which is neutral and polar, at codon 3778 of the NEB protein (p.Ile3778Thr). This variant is present in population databases (rs200270156, gnomAD 0.02%). This missense change has been observed in individual(s) with nemaline myopathy (PMID: 27168972). ClinVar contains an entry for this variant (Variation ID: 435964). Experimental studies and prediction algorithms are not available or were not evaluated, and the functional significance of this variant is currently unknown. In summary, the available evidence is currently insufficient to determine the role of this variant in disease. Therefore, it has been classified as a Variant of Uncertain Significance.

GeneDx
Classification: Uncertain significance. Last evaluated: 2024-07-05. Review status: criteria provided, single submitter. Criteria: GeneDx Variant Classification Process June 2021. Collection method: clinical testing. Allele origin: germline. Affected: yes. Not counted in ClinVar's aggregate classification.
Comment: Observed with a missense variant on the opposite allele (in trans) in an aborted fetus with IUGR, joint contractures, mild hydrocephalus, and decreased fetal movements; these variants were also observed in a previous similarly affected fetus of the parents (PMID: 27168972); In silico analysis indicates that this missense variant does not alter protein structure/function; This variant is associated with the following publications: (PMID: 34426522, 27168972, 33742171)

Revvity Omics, Revvity
Classification: Uncertain significance. Last evaluated: 2023-03-06. Review status: criteria provided, single submitter. Criteria: ACMG Guidelines, 2015. Collection method: clinical testing. Allele origin: germline. Not counted in ClinVar's aggregate classification.

Illumina Laboratory Services, Illumina
Classification: Uncertain significance for Nemaline myopathy 2. Last evaluated: 2018-01-13. Review status: criteria provided, single submitter. Criteria: ICSL Variant Classification Criteria 13 December 2019. Collection method: clinical testing. Allele origin: germline. Not counted in ClinVar's aggregate classification.

Genetic Services Laboratory, University of Chicago
Classification: Uncertain significance. Last evaluated: 2016-08-26. Review status: criteria provided, single submitter. Criteria: ACMG Guidelines, 2015. Collection method: clinical testing. Allele origin: germline. Affected: no. Not counted in ClinVar's aggregate classification.

Clinical Genetics Laboratory, University Hospital Schleswig-Holstein
Classification: Uncertain significance for Nemaline myopathy 2. Last evaluated: 2024-08-05. Review status: no assertion criteria provided. Collection method: clinical testing. Allele origin: germline. Affected: yes. Not counted in ClinVar's aggregate classification.

Natera, Inc.
Classification: Uncertain significance for Nemaline myopathy type 2. Last evaluated: 2020-09-16. Review status: no assertion criteria provided. Collection method: clinical testing. Allele origin: germline. Not counted in ClinVar's aggregate classification.

Counsyl
Classification: Uncertain significance for Nemaline myopathy 2. Last evaluated: 2016-12-27. Review status: no assertion criteria provided. Collection method: clinical testing. Allele origin: unknown. Not counted in ClinVar's aggregate classification.

Literature cited by the submitters: PubMed 33742171 (cited by Women's Health and Genetics/Laboratory Corporation of America, LabCorp); PubMed 27168972 (cited by 3 submitters).

NM_001164508.2(NEB):c.11333T>C (p.Ile3778Thr)

Gene: NEB (nebulin; minus strand). Cytogenetic location: 2q23.3.
Variant type: single nucleotide variant.
Coding change: c.11333T>C on transcript NM_001164508.2 (MANE Select); coding-DNA position 11333, T replaced by C.
Protein change: p.Ile3778Thr; replaces isoleucine 3778 with threonine.
Molecular consequence: missense variant.
Genome position (GRCh38, 1-based): chr2:151,614,544, A>G on the plus strand (T>C on the coding strand, the complement: NEB is on the minus strand). VCF-style: chr2-151614544-A-G. GRCh37 (hg19) VCF-style: chr2-152471058-A-G.
Other names: NM_001164508.2(NEB):c.11333T>C; p.Ile3778Thr; c.11333T>C, p.Ile3778Thr (NM_001164507.2, NM_001271208.2); c.10604T>C, p.Ile3535Thr (NM_004543.5); short protein forms I3535T, I3778T.
Identifiers: ClinVar variation 435964 (VCV000435964.26), dbSNP rs200270156, ClinGen allele CA1908772.